The following is an entry in ClinVar:

NM_007294.4(BRCA1):c.1345del (p.Ser449fs)

Gene: BRCA1 (BRCA1 DNA repair associated; minus strand). Cytogenetic location: 17q21.31.
Variant type: Deletion.
Coding change: c.1345del on transcript NM_007294.4 (MANE Select); coding-DNA position 1345, one base deleted (T; older notation c.1345delT).
Protein change: p.Ser449fs; shifts the reading frame from serine 449.
Molecular consequence: frameshift variant. On other transcripts: intron variant (137).
Genome position (GRCh38, 1-based): chr17:43,094,186, A deleted on the plus strand (T on the coding strand, the reverse complement: BRCA1 is on the minus strand). VCF-style (leftmost placement, unchanged base first): chr17-43094185-GA-G. GRCh37 (hg19) VCF-style: chr17-41246202-GA-G.
Other names: c.1141del, p.Ser381fs (NM_001407874.1, NM_001407875.1); c.1135del, p.Ser379fs (NM_001407879.1, NM_001407881.1, NM_001407884.1 and 13 more transcripts); c.1342del, p.Ser448fs (NM_001407636.1, NM_001407637.1, NM_001407638.1 and 22 more transcripts); c.1345del, p.Ser449fs (NM_001407639.1, NM_001407640.1, NM_001407641.1 and 30 more transcripts); c.1336del, p.Ser446fs (NM_001407646.1, NM_001407647.1); c.1222del, p.Ser408fs (NM_001407648.1, NM_001407664.1, NM_001407665.1 and 19 more transcripts); c.1219del, p.Ser407fs (NM_001407649.1, NM_001407670.1, NM_001407671.1 and 11 more transcripts); c.1267del, p.Ser423fs (NM_001407653.1, NM_001407654.1, NM_001407655.1 and 4 more transcripts); and 40 more; short protein forms S321fs, S337fs, S360fs, S381fs, S446fs, S153fs, S401fs, S423fs.
Identifiers: ClinVar variation 2824681 (VCV002824681.3), dbSNP rs2552214973, ClinGen allele CA2739265608.

ClinVar aggregate classification (germline): Pathogenic (1 of 4 stars; one submission).

Conditions:
Hereditary breast ovarian cancer syndrome. Also called: Hereditary breast and/or ovarian cancer syndrome; Hereditary breast and ovarian cancer; Hereditary breast and ovarian cancer syndrome; Breast and ovarian cancer; Hereditary breast and ovarian cancer syndrome (HBOC); BRCA1- and BRCA2-Associated Hereditary Breast and Ovarian Cancer. Identifiers: Orphanet 145, MedGen C0677776, MeSH D061325, MONDO:0003582. Disease mechanism: loss of function.

Submission:

Labcorp Genetics (formerly Invitae), Labcorp
Classification: Pathogenic for Hereditary breast ovarian cancer syndrome. Last evaluated: 2023-03-09. Review status: criteria provided, single submitter. Criteria: Invitae Variant Classification Sherloc (09022015). Collection method: clinical testing. Allele origin: germline.
Comment: For these reasons, this variant has been classified as Pathogenic. This variant has not been reported in the literature in individuals affected with BRCA1-related conditions. This variant is not present in population databases (gnomAD no frequency). This sequence change creates a premature translational stop signal (p.Ser449Profs*4) in the BRCA1 gene. It is expected to result in an absent or disrupted protein product. Loss-of-function variants in BRCA1 are known to be pathogenic (PMID: 20104584).

Literature cited by the submitters: PubMed 20104584.